The following is an entry in ClinVar:

ClinVar aggregate classification (germline): Uncertain significance (1 of 4 stars; one submission).

Conditions:
Capillary malformation-arteriovenous malformation syndrome. Also called: Capillary malformation-arteriovenous malformation. Identifiers: Orphanet 137667, MedGen C1842180, MONDO:0012016.

Allele frequency attached by ClinVar (database versions not stated): ExAC 0.00002.
gnomAD v4.1: 20 of 1,611,002 alleles (0.0012%); highest among the groups gnomAD compares: South Asian, 0.022%; no homozygotes.

Submission:

Labcorp Genetics (formerly Invitae), Labcorp
Classification: Uncertain significance for Capillary malformation-arteriovenous malformation syndrome. Last evaluated: 2023-08-24. Review status: criteria provided, single submitter. Criteria: Invitae Variant Classification Sherloc (09022015). Collection method: clinical testing. Allele origin: germline.
Comment: In summary, the available evidence is currently insufficient to determine the role of this variant in disease. Therefore, it has been classified as a Variant of Uncertain Significance. An algorithm developed to predict the effect of missense changes on protein structure and function (PolyPhen-2) suggests that this variant is likely to be disruptive. This variant has not been reported in the literature in individuals affected with RASA1-related conditions. This variant is present in population databases (rs751164456, gnomAD 0.02%). This sequence change replaces proline, which is neutral and non-polar, with serine, which is neutral and polar, at codon 48 of the RASA1 protein (p.Pro48Ser).

NM_002890.3(RASA1):c.142C>T (p.Pro48Ser)

Gene: RASA1 (RAS p21 protein activator 1; plus strand). Cytogenetic location: 5q14.3.
Variant type: single nucleotide variant.
Coding change: c.142C>T on transcript NM_002890.3 (MANE Select); coding-DNA position 142, C replaced by T.
Protein change: p.Pro48Ser; replaces proline 48 with serine.
Molecular consequence: missense variant.
Genome position (GRCh38, 1-based): chr5:87,268,593, C>T. VCF-style: chr5-87268593-C-T. GRCh37 (hg19) VCF-style: chr5-86564410-C-T.
Other names: short protein forms P48S.
Identifiers: ClinVar variation 2727259 (VCV002727259.3), dbSNP rs751164456, ClinGen allele CA3335339.